The following is an entry in ClinVar:

ClinVar aggregate classification (germline): Uncertain significance. Review status: criteria provided, multiple submitters, no conflicts (2 of 4 stars). 3 submissions from 3 submitters: Uncertain significance (3). Last evaluated 2024-01-23.

Conditions:
Congenital disorder of deglycosylation (CDDG). Identifiers: MedGen C3808991, MONDO:0031376.
Inborn genetic diseases. Identifiers: MedGen C0950123, MeSH D030342.

Allele frequency attached by ClinVar (database versions not stated): ExAC 0.00005; TOPMed 0.00002.
gnomAD v4.1: 22 of 1,613,968 alleles (0.0014%); highest among the groups gnomAD compares: Admixed American, 0.013%; no homozygotes.

Submissions (3):

Ambry Genetics
Classification: Uncertain significance for Inborn genetic diseases. Last evaluated: 2024-01-23. Review status: criteria provided, single submitter. Criteria: Ambry Variant Classification Scheme 2023. Collection method: clinical testing. Allele origin: germline.

Labcorp Genetics (formerly Invitae), Labcorp
Classification: Uncertain significance for Congenital disorder of deglycosylation. Last evaluated: 2022-10-13. Review status: criteria provided, single submitter. Criteria: Invitae Variant Classification Sherloc (09022015). Collection method: clinical testing. Allele origin: germline.
Comment: This sequence change replaces alanine, which is neutral and non-polar, with valine, which is neutral and non-polar, at codon 162 of the NGLY1 protein (p.Ala162Val). This variant is present in population databases (rs746042656, gnomAD 0.02%). This variant has not been reported in the literature in individuals affected with NGLY1-related conditions. ClinVar contains an entry for this variant (Variation ID: 951031). Advanced modeling of protein sequence and biophysical properties (such as structural, functional, and spatial information, amino acid conservation, physicochemical variation, residue mobility, and thermodynamic stability) performed at Invitae indicates that this missense variant is not expected to disrupt NGLY1 protein function. In summary, the available evidence is currently insufficient to determine the role of this variant in disease. Therefore, it has been classified as a Variant of Uncertain Significance.

Baylor Genetics
Classification: Uncertain significance for Congenital disorder of deglycosylation 1. Last evaluated: 2018-11-28. Review status: criteria provided, single submitter. Criteria: ACMG Guidelines, 2015. Collection method: clinical testing. Allele origin: unknown. Affected: yes.
Comment: This variant was determined to be of uncertain significance according to ACMG Guidelines, 2015 [PMID:25741868].

NM_018297.4(NGLY1):c.485C>T (p.Ala162Val)

Gene: NGLY1 (N-glycanase 1; minus strand). Cytogenetic location: 3p24.2.
Variant type: single nucleotide variant.
Coding change: c.485C>T on transcript NM_018297.4 (MANE Select); coding-DNA position 485, C replaced by T.
Protein change: p.Ala162Val; replaces alanine 162 with valine.
Molecular consequence: missense variant.
Genome position (GRCh38, 1-based): chr3:25,764,073, G>A on the plus strand (C>T on the coding strand, the complement: NGLY1 is on the minus strand). VCF-style: chr3-25764073-G-A. GRCh37 (hg19) VCF-style: chr3-25805564-G-A.
Other names: c.485C>T, p.Ala162Val (NM_001145293.2, NM_001145295.2); c.359C>T, p.Ala120Val (NM_001145294.2); short protein forms A120V, A162V.
Identifiers: ClinVar variation 951031 (VCV000951031.6), dbSNP rs746042656, ClinGen allele CA2289479.